The following is an entry in ClinVar:

NM_004415.4(DSP):c.5210del (p.Gly1737fs)

Gene: DSP (desmoplakin; plus strand). Cytogenetic location: 6p24.3.
Variant type: Deletion.
Coding change: c.5210del on transcript NM_004415.4 (MANE Select); coding-DNA position 5210, one base deleted (G; older notation c.5210delG).
Protein change: p.Gly1737fs; shifts the reading frame from glycine 1737.
Molecular consequence: frameshift variant. On other transcripts: intron variant (2).
Genome position (GRCh38, 1-based): chr6:7,581,400, G deleted; the last of 2 consecutive G bases (chr6:7,581,399-7,581,400); deleting either gives the same sequence. VCF-style (leftmost placement, unchanged base first): chr6-7581398-AG-A. GRCh37 (hg19) VCF-style: chr6-7581631-AG-A.
Other names: c.4050+1160del (NM_001319034.2); c.3583-1242del (NM_001008844.3); c.5210del (NM_004415.2); c.5210delG (NM_004415.2); short protein forms G1737fs.
Identifiers: ClinVar variation 654195 (VCV000654195.8), dbSNP rs1581819043, ClinGen allele CA915944144.

ClinVar aggregate classification (germline): Pathogenic. Review status: criteria provided, multiple submitters, no conflicts (2 of 4 stars). 3 submissions from 3 submitters: Pathogenic (2). 1 of the submissions does not count toward it. Last evaluated 2023-11-06.

Conditions:
Arrhythmogenic right ventricular cardiomyopathy (ARVD). Also called: Arrhythmogenic Right Ventricular Cardiomyopathy (ARVC); Arrhythmogenic right ventricular dysplasia; Arrhythmogenic cardiomyopathy; Cardiomyopathy, ARVC. Identifiers: Orphanet 247, MedGen C0349788, MeSH D019571, MONDO:0016587. Disease mechanism: loss of function. Inheritance: Various modes of inheritance.
DSP-related disorder. Also called: DSP-related disorders; DSP-related condition.
Arrhythmogenic cardiomyopathy with wooly hair and keratoderma. Also called: Dilated cardiomyopathy with woolly hair and keratoderma; Carvajal syndrome; Arrhythmogenic cardiomyopathy with woolly hair and keratoderma; PALMOPLANTAR KERATODERMA WITH LEFT VENTRICULAR CARDIOMYOPATHY AND WOOLLY HAIR. Identifiers: Orphanet 65282, MedGen C1854063, MONDO:0011581, OMIM 605676.
Arrhythmogenic right ventricular dysplasia 8 (ARVD8). Also called: Arrhythmogenic Right Ventricular Dysplasia/Cardiomyopathy 8; ARRHYTHMOGENIC RIGHT VENTRICULAR DYSPLASIA, FAMILIAL, 8; ARRHYTHMOGENIC RIGHT VENTRICULAR CARDIOMYOPATHY 8. Identifiers: MedGen C1843896, MONDO:0011831, OMIM 607450.

Submissions (3):

Blueprint Genetics
Classification: Pathogenic for DSP-related disorders. Last evaluated: 2023-11-06. Review status: criteria provided, single submitter. Criteria: ACMG Guidelines, 2015. Collection method: clinical testing. Allele origin: germline. Affected: yes. Observed: 1 variant allele.

Labcorp Genetics (formerly Invitae), Labcorp
Classification: Pathogenic for Arrhythmogenic cardiomyopathy with wooly hair and keratoderma; Arrhythmogenic right ventricular dysplasia 8. Last evaluated: 2023-06-20. Review status: criteria provided, single submitter. Criteria: Invitae Variant Classification Sherloc (09022015). Collection method: clinical testing. Allele origin: germline.
Comment: For these reasons, this variant has been classified as Pathogenic. ClinVar contains an entry for this variant (Variation ID: 654195). This variant has not been reported in the literature in individuals affected with DSP-related conditions. This variant is not present in population databases (gnomAD no frequency). This sequence change creates a premature translational stop signal (p.Gly1737Aspfs*16) in the DSP gene. It is expected to result in an absent or disrupted protein product. Loss-of-function variants in DSP are known to be pathogenic (PMID: 20716751, 24503780, 25227139).

Sangiuolo Lab - Medical Genetics Laboratory, Tor Vergata University
Classification: Pathogenic for Arrhythmogenic right ventricular cardiomyopathy. Last evaluated: 2023-01-10. Review status: no assertion criteria provided. Collection method: clinical testing. Allele origin: germline. Affected: yes. Not counted in ClinVar's aggregate classification.

Literature cited by the submitters: PubMed 20716751 (cited by Labcorp Genetics (formerly Invitae), Labcorp); PubMed 24503780 (cited by Labcorp Genetics (formerly Invitae), Labcorp); PubMed 25227139 (cited by Labcorp Genetics (formerly Invitae), Labcorp).